The following is an entry in ClinVar:

ClinVar aggregate classification (germline): Conflicting classifications of pathogenicity. Review status: criteria provided, conflicting classifications (1 of 4 stars). 2 submissions from 2 submitters: Uncertain significance (1); Likely benign (1). Last evaluated 2026-03-17.

Conditions:
Inborn genetic diseases. Identifiers: MedGen C0950123, MeSH D030342.

gnomAD v4.1: 4 of 1,614,016 alleles (0.00025%); highest among the groups gnomAD compares: Admixed American, 0.0067%; no homozygotes.

Submissions (2):

Ambry Genetics
Classification: Likely benign for Inborn genetic diseases. Last evaluated: 2026-03-17. Review status: criteria provided, single submitter. Criteria: Ambry Variant Classification Scheme 2023. Collection method: clinical testing. Allele origin: germline.

Women's Health and Genetics/Laboratory Corporation of America, LabCorp
Classification: Uncertain significance. Last evaluated: 2025-06-10. Review status: criteria provided, single submitter. Criteria: LabCorp Variant Classification Summary - May 2015. Collection method: clinical testing. Allele origin: germline.
Comment: Variant summary: MYH9 c.3182G>A (p.Ser1061Asn) results in a conservative amino acid change in the encoded protein sequence. Algorithms developed to predict the effect of missense changes on protein structure and function all suggest that this variant is likely to be tolerated. The variant allele was found at a frequency of 4e-06 in 251172 control chromosomes (gnomAD). The available data on variant occurrences in the general population are insufficient to allow any conclusion about variant significance. To our knowledge, no occurrence of c.3182G>A in individuals affected with Macrothrombocytopenia And Granulocyte Inclusions With Or Without Nephritis Or Sensorineural Hearing Loss and no experimental evidence demonstrating its impact on protein function have been reported. No submitters have cited clinical-significance assessments for this variant to ClinVar. Based on the evidence outlined above, the variant was classified as uncertain significance.

NM_002473.6(MYH9):c.3182G>A (p.Ser1061Asn)

Gene: MYH9 (myosin heavy chain 9; minus strand). Cytogenetic location: 22q12.3.
Variant type: single nucleotide variant.
Coding change: c.3182G>A on transcript NM_002473.6 (MANE Select); coding-DNA position 3182, G replaced by A.
Protein change: p.Ser1061Asn; replaces serine 1061 with asparagine.
Molecular consequence: missense variant.
Genome position (GRCh38, 1-based): chr22:36,296,933, C>T on the plus strand (G>A on the coding strand, the complement: MYH9 is on the minus strand). VCF-style: chr22-36296933-C-T. GRCh37 (hg19) VCF-style: chr22-36692979-C-T.
Other names: c.3182G>A (NM_002473.4); short protein forms S1061N.
Identifiers: ClinVar variation 3907252 (VCV003907252.2).